The following is an entry in ClinVar:

NM_013275.6(ANKRD11):c.6550_6553del (p.Ala2184fs)

Gene: ANKRD11 (ankyrin repeat domain 11; minus strand). Cytogenetic location: 16q24.3.
Variant type: Deletion.
Coding change: c.6550_6553del on transcript NM_013275.6 (MANE Select); coding-DNA positions 6550 to 6553, 4 bases deleted (GCTG; older notation c.6550_6553delGCTG).
Protein change: p.Ala2184fs; shifts the reading frame from alanine 2184.
Molecular consequence: frameshift variant.
Genome position (GRCh38, 1-based): chr16:89,279,989-89,279,992, CAGC deleted on the plus strand (GCTG on the coding strand, the reverse complement: ANKRD11 is on the minus strand); deleting any 4 consecutive bases within chr16:89,279,989-89,279,994 gives the same sequence; the c. name uses the placement nearest the transcript's 3' end. VCF-style (leftmost placement, unchanged base first): chr16-89279988-TCAGC-T. GRCh37 (hg19) VCF-style: chr16-89346396-TCAGC-T.
Other names: c.6550_6553del, p.Ala2184fs (NM_001256182.2, NM_001256183.2); short protein forms A2184fs.
Identifiers: ClinVar variation 5042061 (VCV005042061.1).

ClinVar aggregate classification (germline): Pathogenic (1 of 4 stars; one submission).

Conditions:
KBG syndrome (KBGS). Also called: ANKRD11-Related KBG Syndrome. Identifiers: Orphanet 2332, MedGen C0220687, MONDO:0007846, OMIM 148050.

Submission:

Department of Human Genetics, Hannover Medical School
Classification: Pathogenic for KBG syndrome. Last evaluated: 2026-11-06. Review status: criteria provided, single submitter. Criteria: ACMG Guidelines, 2015. Collection method: clinical testing. Allele origin: germline. Inheritance: Autosomal dominant inheritance. Affected: yes.
Comment: ACMG/ClinGen: PVS1, PS2_Supporting, PM2_Supporting